The following is an entry in ClinVar:

NM_014444.5(TUBGCP4):c.260G>A (p.Arg87Gln)

Gene: TUBGCP4 (tubulin gamma complex component 4; plus strand). Cytogenetic location: 15q15.3.
Variant type: single nucleotide variant.
Coding change: c.260G>A on transcript NM_014444.5 (MANE Select); coding-DNA position 260, G replaced by A.
Protein change: p.Arg87Gln; replaces arginine 87 with glutamine.
Molecular consequence: missense variant.
Genome position (GRCh38, 1-based): chr15:43,376,555, G>A. VCF-style: chr15-43376555-G-A. GRCh37 (hg19) VCF-style: chr15-43668753-G-A.
Other names: c.260G>A, p.Arg87Gln (NM_001286414.3); short protein forms R87Q.
Identifiers: ClinVar variation 2166603 (VCV002166603.2), dbSNP rs769303341, ClinGen allele CA7523709.

ClinVar aggregate classification (germline): Uncertain significance (1 of 4 stars; one submission).

Allele frequency attached by ClinVar (database versions not stated): gnomAD exomes 0.00002; TOPMed 0.00002; gnomAD 0.00003; ExAC 0.00005.
gnomAD v4.1: 39 of 1,614,164 alleles (0.0024%); highest among the groups gnomAD compares: Middle Eastern, 0.082%; no homozygotes.

Submission:

Labcorp Genetics (formerly Invitae), Labcorp
Classification: Uncertain significance. Last evaluated: 2022-08-12. Review status: criteria provided, single submitter. Criteria: Invitae Variant Classification Sherloc (09022015). Collection method: clinical testing. Allele origin: germline.
Comment: In summary, the available evidence is currently insufficient to determine the role of this variant in disease. Therefore, it has been classified as a Variant of Uncertain Significance. Algorithms developed to predict the effect of missense changes on protein structure and function (SIFT, PolyPhen-2, Align-GVGD) all suggest that this variant is likely to be tolerated. This variant has not been reported in the literature in individuals affected with TUBGCP4-related conditions. This variant is present in population databases (rs769303341, gnomAD 0.01%). This sequence change replaces arginine, which is basic and polar, with glutamine, which is neutral and polar, at codon 87 of the TUBGCP4 protein (p.Arg87Gln).